The following is an entry in ClinVar:

ClinVar aggregate classification (germline): Uncertain significance (1 of 4 stars; one submission).

Submission:

GeneDx
Classification: Uncertain significance. Last evaluated: 2024-09-25. Review status: criteria provided, single submitter. Criteria: GeneDx Variant Classification Process June 2021. Collection method: clinical testing. Allele origin: germline. Affected: yes.
Comment: Not observed at significant frequency in large population cohorts (gnomAD); In silico analysis supports that this missense variant has a deleterious effect on protein structure/function; Has not been previously published as pathogenic or benign to our knowledge

NM_006842.3(SF3B2):c.2291T>C (p.Ile764Thr)

Gene: SF3B2 (splicing factor 3b subunit 2; plus strand). Cytogenetic location: 11q13.1.
Variant type: single nucleotide variant.
Coding change: c.2291T>C on transcript NM_006842.3 (MANE Select); coding-DNA position 2291, T replaced by C.
Protein change: p.Ile764Thr; replaces isoleucine 764 with threonine.
Molecular consequence: missense variant.
Genome position (GRCh38, 1-based): chr11:66,063,690, T>C. VCF-style: chr11-66063690-T-C. GRCh37 (hg19) VCF-style: chr11-65831161-T-C.
Other names: short protein forms I764T.
Identifiers: ClinVar variation 3774758 (VCV003774758.1).
Genomic context (GRCh38, chr11:66,063,690, plus strand): 5'-GCCTTATCACTCCTGGAGGCTTTTCATCAGTGCCTGCTGGAATGGAGACCCCTGAACTCA[T>C]TGAGCTGAGGAAGAAGAAGATTGAGGAGGCGATGGACGGGTAAGGGTACCAGACAGGGCT-3'
Protein context (NP_006833.2, residues 754-774): VPAGMETPEL[Ile764Thr]ELRKKKIEEA